The following is an entry in ClinVar:

NM_001242.5(CD27):c.569delinsGC (p.Ile190fs)

Genes: CD27 (CD27 molecule; plus strand), CD27-AS1 (CD27 antisense RNA 1; minus strand), LOC130007242 (ATAC-STARR-seq lymphoblastoid active region 5859; plus strand). Cytogenetic location: 12p13.31.
Variant type: Indel.
Coding change: c.569delinsGC on transcript NM_001242.5 (MANE Select); coding-DNA position 569, T replaced by GC.
Protein change: p.Ile190fs; shifts the reading frame from isoleucine 190.
Molecular consequence: frameshift variant. On other transcripts: non-coding transcript variant (1).
Genome position (GRCh38, 1-based): chr12:6,450,925, T replaced by GC. VCF-style: chr12-6450925-T-GC. GRCh37 (hg19) VCF-style: chr12-6560091-T-GC.
Other names: c.569delTinsGC, p.Ile190Serfs (NM_001242.4); c.662delTinsGC, p.Ile221Serfs (NM_001413263.1); c.542delTinsGC, p.Ile181Serfs (NM_001413264.1); c.389delTinsGC, p.Ile130Serfs (NM_001413265.1); c.119delTinsGC, p.Ile40Serfs (NM_001413266.1, NM_001413267.1, NM_001413268.1); short protein forms I190fs.
Identifiers: ClinVar variation 1800660 (VCV001800660.2), dbSNP rs2498146728, ClinGen allele CA2580086255.

ClinVar aggregate classification (germline): Uncertain significance (1 of 4 stars; one submission).

Submission:

GeneDx
Classification: Uncertain significance. Last evaluated: 2026-10-06. Review status: criteria provided, single submitter. Criteria: GeneDx Variant Classification Process June 2021. Collection method: clinical testing. Allele origin: germline.
Comment: Not observed at significant frequency in large population cohorts (gnomAD); Frameshift variant predicted to result in abnormal protein length as the last 71 amino acid(s) are replaced with 28 different amino acid(s); Has not been previously published as pathogenic or benign to our knowledge